The following is an entry in ClinVar:

ClinVar aggregate classification (germline): Likely benign (1 of 4 stars; one submission).

Conditions:
USP7-related disorder. Also called: USP7-related condition.

gnomAD v4.1: 8 of 1,605,038 alleles (0.0005%); highest among the groups gnomAD compares: Middle Eastern, 0.017%; no homozygotes.

Submission:

PreventionGenetics, part of Exact Sciences
Classification: Likely benign for USP7-related condition. Last evaluated: 2024-12-16. Review status: criteria provided, single submitter. Criteria: ACMG Guidelines, 2015. Collection method: clinical testing. Allele origin: germline.
Comment: This variant is classified as likely benign based on ACMG/AMP sequence variant interpretation guidelines (Richards et al. 2015 PMID: 25741868, with internal and published modifications).

NM_003470.3(USP7):c.1079-7T>C

Gene: USP7 (ubiquitin specific peptidase 7; minus strand). Cytogenetic location: 16p13.2.
Variant type: single nucleotide variant.
Coding change: c.1079-7T>C on transcript NM_003470.3 (MANE Select); 7 bases into the intron before coding-DNA position 1079, T replaced by C.
Molecular consequence: intron variant.
Genome position (GRCh38, 1-based): chr16:8,910,834, A>G on the plus strand (T>C on the coding strand, the complement: USP7 is on the minus strand). VCF-style: chr16-8910834-A-G. GRCh37 (hg19) VCF-style: chr16-9004691-A-G.
Other names: c.905-7T>C (NM_001321858.2); c.1031-7T>C (NM_001286457.2); c.782-7T>C (NM_001286458.2).
Identifiers: ClinVar variation 4997964 (VCV004997964.1).